The following is an entry in ClinVar:

NM_000548.5(TSC2):c.1319G>C (p.Gly440Ala)

Gene: TSC2 (TSC complex subunit 2; plus strand). Cytogenetic location: 16p13.3.
Variant type: single nucleotide variant.
Coding change: c.1319G>C on transcript NM_000548.5 (MANE Select); coding-DNA position 1319, G replaced by C.
Protein change: p.Gly440Ala; replaces glycine 440 with alanine.
Molecular consequence: missense variant.
Genome position (GRCh38, 1-based): chr16:2,062,558, G>C. VCF-style: chr16-2062558-G-C. GRCh37 (hg19) VCF-style: chr16-2112559-G-C.
Other names: c.1319G>C, p.Gly440Ala (NM_001077183.3, NM_001114382.3, NM_001363528.2 and 3 more transcripts); c.1208G>C, p.Gly403Ala (NM_001318827.2); c.1172G>C, p.Gly391Ala (NM_001318829.2); c.719G>C, p.Gly240Ala (NM_001318831.2); c.1352G>C, p.Gly451Ala (NM_001318832.2); short protein forms G240A, G391A, G403A, G440A, G451A.
Identifiers: ClinVar variation 1692477 (VCV001692477.1), dbSNP rs2151164566, ClinGen allele CA394322332.

ClinVar aggregate classification (germline): Uncertain significance (1 of 4 stars; one submission).

Conditions:
Hereditary cancer-predisposing syndrome. Also called: Hereditary Cancer Syndrome; Hereditary neoplastic syndrome; Neoplastic Syndromes, Hereditary; Tumor predisposition. Identifiers: Orphanet 140162, MedGen C0027672, MeSH D009386, MONDO:0015356.

Submission:

Sema4
Classification: Uncertain significance for Hereditary cancer-predisposing syndrome. Last evaluated: 2021-12-17. Review status: criteria provided, single submitter. Criteria: Sema4 Curation Guidelines. Collection method: curation. Allele origin: germline.
Comment: The TSC2 c.1319G>C (p.G440A) variant has not been reported in the literature to our knowledge. This variant is not reported in the population database Genome Aggregation Database (PMID: 32461654). This variant has not been reported in ClinVar. Functional studies have not been performed, and in silico predictions of the variant's effect on protein function are inconclusive. The evidence is insufficient to meet ACMG/AMP criteria for classifying the variant as benign or pathogenic. Thus, the clinical significance of this variant is currently uncertain.